The following is an entry in ClinVar:

ClinVar aggregate classification (germline): Conflicting classifications of pathogenicity. Review status: criteria provided, conflicting classifications (1 of 4 stars). 3 submissions from 3 submitters: Uncertain significance (2); Benign (1). Last evaluated 2024-09-08.

Conditions:
Landau-Kleffner syndrome (FESD). Also called: APHASIA, ACQUIRED, WITH EPILEPSY; EPILEPSY, FOCAL, WITH SPEECH DISORDER AND WITH OR WITHOUT MENTAL RETARDATION. Identifiers: Orphanet 1945, Orphanet 725, Orphanet 98818, MedGen C0282512, MONDO:0009509, OMIM 245570.

Allele frequency attached by ClinVar (database versions not stated): gnomAD exomes 0.00001 and 0.00002; ExAC 0.00002.

Submissions (3):

Labcorp Genetics (formerly Invitae), Labcorp
Classification: Benign for Landau-Kleffner syndrome. Last evaluated: 2024-09-08. Review status: criteria provided, single submitter. Criteria: Invitae Variant Classification Sherloc (09022015). Collection method: clinical testing. Allele origin: germline.

Women's Health and Genetics/Laboratory Corporation of America, LabCorp
Classification: Uncertain significance. Last evaluated: 2023-11-02. Review status: criteria provided, single submitter. Criteria: LabCorp Variant Classification Summary - May 2015. Collection method: clinical testing. Allele origin: germline.
Comment: Variant summary: GRIN2A c.2908C>T (p.Arg970Trp) results in a non-conservative amino acid change located in the Glutamate (NMDA) receptor, epsilon subunit, C-termianl domain (IPR018884) of the encoded protein sequence. The variant allele was found at a frequency of 1.6e-05 in 251360 control chromosomes (gnomAD). The available data on variant occurrences in the general population are insufficient to allow any conclusion about variant significance. To our knowledge, no occurrence of c.2908C>T in individuals affected with Epilepsy, Focal, With Speech Disorder And With Or Without Mental Retardation and no experimental evidence demonstrating its impact on protein function have been reported. One submitter has cited clinical-significance assessments for this variant to ClinVar after 2014 and has classified the variant as likely benign. Based on the evidence outlined above, the variant was classified as uncertain significance.

Blueprint Genetics
Classification: Uncertain significance. Last evaluated: 2021-11-11. Review status: criteria provided, single submitter. Criteria: ACMG Guidelines, 2015. Collection method: clinical testing. Allele origin: germline.

NM_001134407.3(GRIN2A):c.2908C>T (p.Arg970Trp)

Gene: GRIN2A (glutamate ionotropic receptor NMDA type subunit 2A; minus strand). Cytogenetic location: 16p13.2.
Variant type: single nucleotide variant.
Coding change: c.2908C>T on transcript NM_001134407.3 (MANE Select); coding-DNA position 2908, C replaced by T.
Protein change: p.Arg970Trp; replaces arginine 970 with tryptophan.
Molecular consequence: missense variant.
Genome position (GRCh38, 1-based): chr16:9,764,636, G>A on the plus strand (C>T on the coding strand, the complement: GRIN2A is on the minus strand). VCF-style: chr16-9764636-G-A. GRCh37 (hg19) VCF-style: chr16-9858493-G-A.
Other names: c.2908C>T, p.Arg970Trp (NM_000833.5, NM_001134408.2); short protein forms R970W.
Identifiers: ClinVar variation 1053847 (VCV001053847.9), dbSNP rs765257420, ClinGen allele CA7896405.
Genomic context (GRCh38, chr16:9,764,636, plus strand): 5'-CATTGAGAGTAAGAGGATGTTGTCCCTGGAATACATAGTTATTGAGGTTATCCTTCTGCC[G>A]GTTGGCCACAAATGTTTGGAGTTCGTTCATGTTGTCTCCAAAAATGCTCTCTTTCCCCTG-3'
Protein context (NP_001127879.1, residues 960-980): MNELQTFVAN[Arg970Trp]QKDNLNNYVF